The following is an entry in ClinVar:

ClinVar aggregate classification (germline): Uncertain significance (1 of 4 stars; one submission).

Conditions:
Lower motor neuron syndrome with late-adult onset (SMAJ). Also called: Spinal muscular atrophy, Jokela type; Late-Onset Spinal Motor Neuronopathy (SMAJ). Identifiers: Orphanet 276435, MedGen C3554398, MONDO:0014025, OMIM 615048.
Frontotemporal dementia and/or amyotrophic lateral sclerosis 2. Also called: FTDALS2. Identifiers: Orphanet 275872, MedGen C4014648, MONDO:0014395, OMIM 615911.
Autosomal dominant mitochondrial myopathy with exercise intolerance (IMMD). Also called: Myopathy, isolated mitochondrial, autosomal dominant. Identifiers: Orphanet 457050, MedGen C4015513, MONDO:0014532, OMIM 616209.

Submission:

Labcorp Genetics (formerly Invitae), Labcorp
Classification: Uncertain significance for Lower motor neuron syndrome with late-adult onset; Frontotemporal dementia and/or amyotrophic lateral sclerosis 2; Autosomal dominant mitochondrial myopathy with exercise intolerance. Last evaluated: 2022-04-22. Review status: criteria provided, single submitter. Criteria: Invitae Variant Classification Sherloc (09022015). Collection method: clinical testing. Allele origin: germline.
Comment: This variant results in a copy number gain of the genomic region encompassing exon(s) 3-4 of the CHCHD10 gene. This region includes the termination codon of the gene. This copy number gain extends beyond the assayed region for this gene and therefore may encompass additional genes. As the precise location of this event is unknown, it may be in tandem or it may be located elsewhere in the genome. This variant has not been reported in the literature in individuals affected with CHCHD10-related conditions. In summary, the available evidence is currently insufficient to determine the role of this variant in disease. Therefore, it has been classified as a Variant of Uncertain Significance.

NC_000022.10:g.(?_24108194)_(24108482_?)del

Gene: CHCHD10 (coiled-coil-helix-coiled-coil-helix domain containing 10; minus strand). Cytogenetic location: 22q11.23.
Variant type: Deletion.
Identifiers: ClinVar variation 2427791 (VCV002427791.4).